The following is an entry in ClinVar:

ClinVar aggregate classification (germline): Uncertain significance (1 of 4 stars; one submission).

Conditions:
Epileptic encephalopathy. Identifiers: MedGen C0543888, HP:0200134.

Submission:

Labcorp Genetics (formerly Invitae), Labcorp
Classification: Uncertain significance for Epileptic encephalopathy. Last evaluated: 2019-02-07. Review status: criteria provided, single submitter. Criteria: Invitae Variant Classification Sherloc (09022015). Collection method: clinical testing. Allele origin: germline.
Comment: In summary, the available evidence is currently insufficient to determine the role of this variant in disease. Therefore, it has been classified as a Variant of Uncertain Significance. The current clinical and genetic evidence is not sufficient to establish whether loss-of-function variants in RYR3 cause disease. Algorithms developed to predict the effect of sequence changes on RNA splicing suggest that this variant may disrupt the consensus splice site, but this prediction has not been confirmed by published transcriptional studies. This variant has not been reported in the literature in individuals with RYR3-related conditions. This variant is not present in population databases (ExAC no frequency). This sequence change affects a donor splice site in intron 21 of the RYR3 gene. It is expected to disrupt RNA splicing and likely results in an absent or disrupted protein product.

NM_001036.6(RYR3):c.2679+1G>T

Gene: RYR3 (ryanodine receptor 3; plus strand). Cytogenetic location: 15q14.
Variant type: single nucleotide variant.
Coding change: c.2679+1G>T on transcript NM_001036.6 (MANE Select); the canonical splice donor site of the intron after coding-DNA position 2679, G replaced by T.
Molecular consequence: splice donor variant.
Genome position (GRCh38, 1-based): chr15:33,628,576, G>T. VCF-style: chr15-33628576-G-T. GRCh37 (hg19) VCF-style: chr15-33920777-G-T.
Other names: c.2679+1G>T (NM_001243996.4).
Identifiers: ClinVar variation 851030 (VCV000851030.8), dbSNP rs2061113768, ClinGen allele CA391569587.